The following is an entry in ClinVar:

NM_004766.3(COPB2):c.2189T>A (p.Met730Lys)

Gene: COPB2 (COPI coat complex subunit beta 2; minus strand). Cytogenetic location: 3q23.
Variant type: single nucleotide variant.
Coding change: c.2189T>A on transcript NM_004766.3 (MANE Select); coding-DNA position 2189, T replaced by A.
Protein change: p.Met730Lys; replaces methionine 730 with lysine.
Molecular consequence: missense variant. On other transcripts: non-coding transcript variant (1).
Genome position (GRCh38, 1-based): chr3:139,361,102, A>T on the plus strand (T>A on the coding strand, the complement: COPB2 is on the minus strand). VCF-style: chr3-139361102-A-T. GRCh37 (hg19) VCF-style: chr3-139079944-A-T.
Other names: c.2102T>A, p.Met701Lys (NM_001410834.1); short protein forms M701K, M730K.
Identifiers: ClinVar variation 2662339 (VCV002662339.1), dbSNP rs2472883506, ClinGen allele CA354768895.

ClinVar aggregate classification (germline): Uncertain significance (1 of 4 stars; one submission).

Submission:

GeneDx
Classification: Uncertain significance. Last evaluated: 2023-05-12. Review status: criteria provided, single submitter. Criteria: GeneDx Variant Classification Process June 2021. Collection method: clinical testing. Allele origin: germline. Affected: yes.
Comment: Not observed at significant frequency in large population cohorts (gnomAD); In silico analysis supports that this missense variant has a deleterious effect on protein structure/function; Has not been previously published as pathogenic or benign to our knowledge